The following is an entry in ClinVar:

NM_005481.3(MED16):c.1905+448C>T

Gene: MED16 (mediator complex subunit 16; minus strand). Cytogenetic location: 19p13.3.
Variant type: single nucleotide variant.
Coding change: c.1905+448C>T on transcript NM_005481.3 (MANE Select); 448 bases into the intron after coding-DNA position 1905, C replaced by T.
Molecular consequence: intron variant.
Genome position (GRCh38, 1-based): chr19:873,001, G>A on the plus strand (C>T on the coding strand, the complement: MED16 is on the minus strand). VCF-style: chr19-873001-G-A. GRCh37 (hg19) VCF-style: chr19-873001-G-A.
Identifiers: ClinVar variation 2648873 (VCV002648873.24), dbSNP rs191475289, ClinGen allele CA303977844.

ClinVar aggregate classification (germline): Likely benign (1 of 4 stars; one submission).

Allele frequency attached by ClinVar (database versions not stated): gnomAD exomes 0.00402.
gnomAD v4.1: 429 of 188,840 alleles (0.23%); highest among the groups gnomAD compares: Middle Eastern, 0.87%; 21 homozygotes.

Submission:

CeGaT Center for Human Genetics Tuebingen
Classification: Likely benign. Last evaluated: 2023-01-01. Review status: criteria provided, single submitter. Criteria: CeGaT Center For Human Genetics Tuebingen Variant Classification Criteria Version 2. Collection method: clinical testing. Allele origin: germline. Affected: yes. Observed: 3 variant alleles.
Comment: MED16: BS2